The following is an entry in ClinVar:

ClinVar aggregate classification (germline): Uncertain significance. Review status: criteria provided, multiple submitters, no conflicts (2 of 4 stars). 2 submissions from 2 submitters: Uncertain significance (2). Last evaluated 2021-07-28.

Conditions:
Dilated cardiomyopathy 1HH (CMD1HH). Identifiers: Orphanet 154, MedGen C3151293, MONDO:0013479, OMIM 613881.
Myofibrillar myopathy 6. Identifiers: Orphanet 199340, MedGen C2751831, MONDO:0013061, OMIM 612954.

Allele frequency attached by ClinVar (database versions not stated): gnomAD exomes below 0.00001.
gnomAD v4.1: 1 of 1,614,124 alleles (0.000062%); highest among the groups gnomAD compares: Admixed American, 0.0017%; no homozygotes.

Submissions (2):

Labcorp Genetics (formerly Invitae), Labcorp
Classification: Uncertain significance for Dilated cardiomyopathy 1HH; Myofibrillar myopathy 6. Last evaluated: 2021-07-28. Review status: criteria provided, single submitter. Criteria: Invitae Variant Classification Sherloc (09022015). Collection method: clinical testing. Allele origin: germline.
Comment: In summary, the available evidence is currently insufficient to determine the role of this variant in disease. Therefore, it has been classified as a Variant of Uncertain Significance. Algorithms developed to predict the effect of missense changes on protein structure and function are either unavailable or do not agree on the potential impact of this missense change (SIFT: "Deleterious"; PolyPhen-2: "Not Available"; Align-GVGD: "Class C15"). This variant has not been reported in the literature in individuals affected with BAG3-related conditions. This variant is not present in population databases (ExAC no frequency). This sequence change replaces glutamic acid with lysine at codon 404 of the BAG3 protein (p.Glu404Lys). The glutamic acid residue is highly conserved and there is a small physicochemical difference between glutamic acid and lysine.

Revvity Omics, Revvity
Classification: Uncertain significance. Last evaluated: 2019-09-04. Review status: criteria provided, single submitter. Criteria: ACMG Guidelines, 2015. Collection method: clinical testing. Allele origin: germline.

NM_004281.4(BAG3):c.1210G>A (p.Glu404Lys)

Gene: BAG3 (BAG cochaperone 3; plus strand). Cytogenetic location: 10q26.11.
Variant type: single nucleotide variant.
Coding change: c.1210G>A on transcript NM_004281.4 (MANE Select); coding-DNA position 1210, G replaced by A.
Protein change: p.Glu404Lys; replaces glutamic acid 404 with lysine.
Molecular consequence: missense variant.
Genome position (GRCh38, 1-based): chr10:119,676,764, G>A. VCF-style: chr10-119676764-G-A. GRCh37 (hg19) VCF-style: chr10-121436276-G-A.
Other names: c.1210G>A (NM_004281.3); short protein forms E404K.
Identifiers: ClinVar variation 1407805 (VCV001407805.8), dbSNP rs1165453591, ClinGen allele CA378296842.